The following is an entry in ClinVar:

ClinVar aggregate classification (germline): Uncertain significance (1 of 4 stars; one submission).

Conditions:
Familial hypocalciuric hypercalcemia (FHH). Also called: Familial benign hypercalcemia. Identifiers: Orphanet 405, MedGen C1809471, MONDO:0018458.
Autosomal dominant hypocalcemia 1 (HYPOC1). Also called: HYPOCALCEMIA, FAMILIAL. Identifiers: MedGen C3715128, MONDO:0011013, OMIM 601198.

Allele frequency attached by ClinVar (database versions not stated): gnomAD 0.00001.
gnomAD v4.1: 1 of 1,614,078 alleles (0.000062%); highest among the groups gnomAD compares: African/African-American, 0.0013%; no homozygotes.

Submission:

Labcorp Genetics (formerly Invitae), Labcorp
Classification: Uncertain significance for Familial hypocalciuric hypercalcemia; Autosomal dominant hypocalcemia 1. Last evaluated: 2017-12-10. Review status: criteria provided, single submitter. Criteria: Invitae Variant Classification Sherloc (09022015). Collection method: clinical testing. Allele origin: germline.
Comment: In summary, the available evidence is currently insufficient to determine the role of this variant in disease. Therefore, it has been classified as a Variant of Uncertain Significance. Algorithms developed to predict the effect of missense changes on protein structure and function (SIFT, PolyPhen-2, Align-GVGD) all suggest that this variant is likely to be disruptive, but these predictions have not been confirmed by published functional studies and their clinical significance is uncertain. This variant has not been reported in the literature in individuals with CASR-related disease. This variant is not present in population databases (ExAC no frequency). This sequence change replaces histidine with aspartic acid at codon 879 of the CASR protein (p.His879Asp). The histidine residue is highly conserved and there is a moderate physicochemical difference between histidine and aspartic acid.

NM_000388.4(CASR):c.2635C>G (p.His879Asp)

Gene: CASR (calcium sensing receptor; plus strand). Cytogenetic location: 3q21.1.
Variant type: single nucleotide variant.
Coding change: c.2635C>G on transcript NM_000388.4 (MANE Select); coding-DNA position 2635, C replaced by G.
Protein change: p.His879Asp; replaces histidine 879 with aspartic acid.
Molecular consequence: missense variant.
Genome position (GRCh38, 1-based): chr3:122,284,589, C>G. VCF-style: chr3-122284589-C-G. GRCh37 (hg19) VCF-style: chr3-122003436-C-G.
Other names: c.2665C>G, p.His889Asp (NM_001178065.2); short protein forms H879D, H889D.
Identifiers: ClinVar variation 532601 (VCV000532601.10), dbSNP rs1553769153, ClinGen allele CA354160457.
Genomic context (GRCh38, chr3:122,284,589, plus strand): 5'-ATCATTCTCTTCAAGCCATCCCGCAACACCATCGAGGAGGTGCGTTGCAGCACCGCAGCT[C>G]ACGCTTTCAAGGTGGCTGCCCGGGCCACGCTGCGCCGCAGCAACGTCTCCCGCAAGCGGT-3'
Protein context (NP_000379.3, residues 869-889): IEEVRCSTAA[His879Asp]AFKVAARATL